The following is an entry in ClinVar:

ClinVar aggregate classification (germline): Benign; other. Review status: criteria provided, multiple submitters, no conflicts (2 of 4 stars). 11 submissions from 11 submitters: Benign (7). 3 of the submissions do not count toward it. Last evaluated 2024-11-27.

Conditions:
Galactosylceramide beta-galactosidase deficiency. Also called: GLOBOID CELL LEUKOENCEPHALOPATHY; Leukodystrophy, Globoid Cell; Krabbe Disease; GALACTOCEREBROSIDASE DEFICIENCY; GALC DEFICIENCY. Identifiers: Orphanet 487, MedGen C0023521, MONDO:0009499, OMIM 245200.

Allele frequency attached by ClinVar (database versions not stated): 1000 Genomes Project 30x 0.02592; gnomAD exomes 0.04170 and 0.05257; ExAC 0.04337; 1000 Genomes Project 0.02716; gnomAD 0.03877 and 0.03875; TOPMed 0.03385; ESP Exome Variant Server 0.04180.
gnomAD v4.1: 82,345 of 1,612,988 alleles (5.1%); highest among the groups gnomAD compares: Non-Finnish European, 5.8%; 2,422 homozygotes.

Submissions (11):

Blueprint Genetics
Classification: Benign. Last evaluated: 2024-11-27. Review status: criteria provided, single submitter. Criteria: ACMG Guidelines, 2015. Collection method: clinical testing. Allele origin: germline.

Genome-Nilou Lab
Classification: Benign for Galactosylceramide beta-galactosidase deficiency. Last evaluated: 2021-07-01. Review status: criteria provided, single submitter. Criteria: ACMG Guidelines, 2015. Collection method: clinical testing. Allele origin: germline. Affected: no.

Labcorp Genetics (formerly Invitae), Labcorp
Classification: other for Galactosylceramide beta-galactosidase deficiency. Last evaluated: 2019-01-06. Review status: criteria provided, single submitter. Criteria: Invitae Variant Classification Sherloc (09022015). Collection method: clinical testing. Allele origin: germline.

Illumina Laboratory Services, Illumina
Classification: Benign for Galactosylceramide beta-galactosidase deficiency. Last evaluated: 2018-03-06. Review status: criteria provided, single submitter. Criteria: ICSL Variant Classification Criteria 13 December 2019. Collection method: clinical testing. Allele origin: germline.
Comment: This variant was observed in the ICSL laboratory as part of a predisposition screen in an ostensibly healthy population. It had not been previously curated by ICSL or reported in the Human Gene Mutation Database (HGMD: prior to June 1st, 2018), and was therefore a candidate for classification through an automated scoring system. Utilizing variant allele frequency, disease prevalence and penetrance estimates, and inheritance mode, an automated score was calculated to assess if this variant is too frequent to cause the disease. Based on the score and internal cut-off values, a variant classified as benign is not then subjected to further curation. The score for this variant resulted in a classification of benign for this disease.

GeneDx
Classification: Benign. Last evaluated: 2018-01-04. Review status: criteria provided, single submitter. Criteria: GeneDx Variant Classification Process June 2021. Collection method: clinical testing. Allele origin: germline. Affected: yes.
Comment: This variant is associated with the following publications: (PMID: 32661301, 26865610, 26795590, 7581365, 21228398, 20981092, 22995991)

Eurofins Ntd Llc (ga)
Classification: Benign. Last evaluated: 2015-10-27. Review status: criteria provided, single submitter. Criteria: EGL Classification Definitions 2015. Collection method: clinical testing. Allele origin: germline. Observed: 39 variant alleles, 32 heterozygotes, 7 homozygotes.

Breakthrough Genomics
Classification: Benign. Review status: criteria provided, single submitter. Criteria: ACMG Guidelines, 2015. Collection method: not provided. Allele origin: germline. Inheritance: Autosomal recessive inheritance. Affected: yes.

PreventionGenetics, part of Exact Sciences
Classification: Benign. Review status: criteria provided, single submitter. Criteria: ACMG Guidelines, 2015. Collection method: clinical testing. Allele origin: germline.

Clinical Genetics DNA and cytogenetics Diagnostics Lab, Erasmus MC, Erasmus Medical Center
Classification: Benign. Review status: no assertion criteria provided. Collection method: clinical testing. Allele origin: germline. Affected: yes. Study: VKGL Data-share Consensus. Not counted in ClinVar's aggregate classification.

Clinical Genetics, Academic Medical Center
Classification: Benign. Review status: no assertion criteria provided. Collection method: clinical testing. Allele origin: germline. Affected: yes. Study: VKGL Data-share Consensus. Not counted in ClinVar's aggregate classification.

GeneReviews
No classification provided. Condition: Galactosylceramide beta-galactosidase deficiency. Review status: no classification provided. Collection method: literature only. Allele origin: germline. Not counted in ClinVar's aggregate classification.

NM_000153.4(GALC):c.550C>T (p.Arg184Cys)

Gene: GALC (galactosylceramidase; minus strand). Cytogenetic location: 14q31.3.
Variant type: single nucleotide variant.
Coding change: c.550C>T on transcript NM_000153.4 (MANE Select); coding-DNA position 550, C replaced by T.
Protein change: p.Arg184Cys; replaces arginine 184 with cysteine.
Molecular consequence: missense variant.
Genome position (GRCh38, 1-based): chr14:87,984,426, G>A on the plus strand (C>T on the coding strand, the complement: GALC is on the minus strand). VCF-style: chr14-87984426-G-A. GRCh37 (hg19) VCF-style: chr14-88450770-G-A.
Other names: c.481C>T, p.Arg161Cys (NM_001201401.2); c.472C>T, p.Arg158Cys (NM_001201402.2); short protein forms R184C, R158C, R161C.
Identifiers: ClinVar variation 92506 (VCV000092506.20), dbSNP rs1805078, ClinGen allele CA145817.